The following is an entry in ClinVar:

ClinVar aggregate classification (germline): Uncertain significance (1 of 4 stars; one submission).

Conditions:
Polyglucosan body myopathy type 1 (PGBM1). Also called: Polyglucosan body myopathy 1 with or without immunodeficiency; POLYGLUCOSAN BODY MYOPATHY WITHOUT IMMUNODEFICIENCY. Identifiers: Orphanet 329173, Orphanet 397937, MedGen C4014605, MONDO:0014389, OMIM 615895.

Submission:

Labcorp Genetics (formerly Invitae), Labcorp
Classification: Uncertain significance for Polyglucosan body myopathy 1 with or without immunodeficiency. Last evaluated: 2019-09-13. Review status: criteria provided, single submitter. Criteria: Invitae Variant Classification Sherloc (09022015). Collection method: clinical testing. Allele origin: germline.
Comment: This variant results in a copy number gain of the genomic region encompassing the full coding sequence of the RBCK1 gene. The boundaries of this event are unknown as they extend beyond the assayed region for this gene and therefore may encompass additional genes. As the precise location of this event is unknown, it may be in tandem or it may be located elsewhere in the genome. This variant has not been reported in the literature in individuals with RBCK1-related conditions. In summary, the available evidence is currently insufficient to determine the role of this variant in disease. Therefore, it has been classified as a Variant of Uncertain Significance.

NC_000020.11:g.(?_408719)_(765794_?)dup

Genes: CSNK2A1 (casein kinase 2 alpha 1; minus strand), RBCK1 (RANBP2-type and C3HC4-type zinc finger containing 1; plus strand), SCRT2 (scratch family transcriptional repressor 2; minus strand), SLC52A3 (solute carrier family 52 member 3; minus strand), SRXN1 (sulfiredoxin 1; minus strand) and 2 more. Cytogenetic location: 20p13.
Variant type: Duplication.
Identifiers: ClinVar variation 832108 (VCV000832108.1).